The following is an entry in ClinVar:

ClinVar aggregate classification (germline): Uncertain significance. Review status: criteria provided, single submitter (1 of 4 stars). 2 submissions from 2 submitters: Uncertain significance (1). 1 of the submissions does not count toward it. Last evaluated 2024-12-30.

Conditions:
TNNI3K-related disorder. Also called: TNNI3K-related condition.

Allele frequency attached by ClinVar (database versions not stated): gnomAD exomes below 0.00001 and 0.00001; ExAC 0.00001; gnomAD 0.00001; TOPMed 0.00002.

Submissions (2):

Labcorp Genetics (formerly Invitae), Labcorp
Classification: Uncertain significance. Last evaluated: 2024-12-30. Review status: criteria provided, single submitter. Criteria: Invitae Variant Classification Sherloc (09022015). Collection method: clinical testing. Allele origin: germline.
Comment: This sequence change creates a premature translational stop signal (p.Gly545Phefs*8) in the TNNI3K gene. It is expected to result in an absent or disrupted protein product. However, the current clinical and genetic evidence is not sufficient to establish whether loss-of-function variants in TNNI3K cause disease. This variant is present in population databases (rs748927643, gnomAD 0.01%). This premature translational stop signal has been observed in individual(s) with dilated cardiomyopathy (internal data). ClinVar contains an entry for this variant (Variation ID: 1345862). Algorithms developed to predict the effect of sequence changes on RNA splicing suggest that this variant may disrupt the consensus splice site. In summary, the available evidence is currently insufficient to determine the role of this variant in disease. Therefore, it has been classified as a Variant of Uncertain Significance.

PreventionGenetics, part of Exact Sciences
Classification: Uncertain significance for TNNI3K-related condition. Last evaluated: 2023-11-25. Review status: no assertion criteria provided. Collection method: clinical testing. Allele origin: germline. Not counted in ClinVar's aggregate classification.
Comment: The TNNI3K c.1629_1630delAG variant is predicted to result in a frameshift and premature protein termination (p.Gly545Phefs*8). To our knowledge, this variant has not been reported in the literature. Few chain-terminating variants in TNNI3K are reported in the literature and loss of function has not been conclusively established as a mechanism for TNNI3K-related disorders. This variant is reported in 0.012% of alleles in individuals of African descent in gnomAD. At this time, the clinical significance of this variant is uncertain due to the absence of conclusive functional and genetic evidence.

NM_015978.3(TNNI3K):c.1629_1630del (p.Gly545fs)

Genes: FPGT-TNNI3K (FPGT-TNNI3K readthrough; plus strand), TNNI3K (TNNI3 interacting kinase; plus strand). Cytogenetic location: 1p31.1.
Variant type: Deletion.
Coding change: c.1629_1630del on transcript NM_015978.3 (MANE Select); coding-DNA positions 1629 to 1630, 2 bases deleted (AG; older notation c.1629_1630delAG).
Protein change: p.Gly545fs; shifts the reading frame from glycine 545.
Molecular consequence: frameshift variant.
Genome position (GRCh38, 1-based): chr1:74,369,547-74,369,548, AG deleted. VCF-style (leftmost placement, unchanged base first): chr1-74369546-CAG-C. GRCh37 (hg19) VCF-style: chr1-74835230-CAG-C.
Other names: c.1932_1933del, p.Gly646fs (NM_001112808.3, NM_001199327.2); short protein forms G545fs, G646fs.
Identifiers: ClinVar variation 1345862 (VCV001345862.8), dbSNP rs748927643, ClinGen allele CA909340.